The following is an entry in ClinVar:

NM_001035.3(RYR2):c.6017A>G (p.His2006Arg)

Gene: RYR2 (ryanodine receptor 2; plus strand). Cytogenetic location: 1q43.
Variant type: single nucleotide variant.
Coding change: c.6017A>G on transcript NM_001035.3 (MANE Select); coding-DNA position 6017, A replaced by G.
Protein change: p.His2006Arg; replaces histidine 2006 with arginine.
Molecular consequence: missense variant.
Genome position (GRCh38, 1-based): chr1:237,623,865, A>G. VCF-style: chr1-237623865-A-G. GRCh37 (hg19) VCF-style: chr1-237787165-A-G.
Other names: c.6017A>G, p.His2006Arg (LRG_402t1); short protein forms H2006R.
Identifiers: ClinVar variation 449162 (VCV000449162.11), dbSNP rs1553528609, ClinGen allele CA345408381.

ClinVar aggregate classification (germline): Uncertain significance. Review status: criteria provided, multiple submitters, no conflicts (2 of 4 stars). 2 submissions from 2 submitters: Uncertain significance (2). Last evaluated 2020-12-31.

Conditions:
Catecholaminergic polymorphic ventricular tachycardia 1. Also called: VENTRICULAR TACHYCARDIA, CATECHOLAMINERGIC POLYMORPHIC, 1, WITH OR WITHOUT ATRIAL DYSFUNCTION AND/OR DILATED CARDIOMYOPATHY; VENTRICULAR TACHYCARDIA, STRESS-INDUCED POLYMORPHIC 1; RYR2-Related Catecholaminergic Polymorphic Ventricular Tachycardia. Identifiers: Orphanet 3286, MedGen C1631597, MONDO:0011484, OMIM 604772.

Submissions (2):

Labcorp Genetics (formerly Invitae), Labcorp
Classification: Uncertain significance for Catecholaminergic polymorphic ventricular tachycardia 1. Last evaluated: 2020-12-31. Review status: criteria provided, single submitter. Criteria: Invitae Variant Classification Sherloc (09022015). Collection method: clinical testing. Allele origin: germline.
Comment: In summary, the available evidence is currently insufficient to determine the role of this variant in disease. Therefore, it has been classified as a Variant of Uncertain Significance. Advanced modeling of protein sequence and biophysical properties (such as structural, functional, and spatial information, amino acid conservation, physicochemical variation, residue mobility, and thermodynamic stability) performed at Invitae indicates that this missense variant is not expected to disrupt RYR2 protein function. This variant has not been reported in the literature in individuals with RYR2-related conditions. ClinVar contains an entry for this variant (Variation ID: 449162). This variant is not present in population databases (ExAC no frequency). This sequence change replaces histidine with arginine at codon 2006 of the RYR2 protein (p.His2006Arg). The histidine residue is highly conserved and there is a small physicochemical difference between histidine and arginine.

GeneDx
Classification: Uncertain significance. Last evaluated: 2017-08-17. Review status: criteria provided, single submitter. Criteria: GeneDx Variant Classification (06012015). Collection method: clinical testing. Allele origin: germline. Affected: yes.
Comment: The H2006R variant in the RYR2 gene has not been reported previously as a pathogenic variant, nor as a benign variant, to our knowledge. The H2006R variant is not observed in large population cohorts (Lek et al., 2016; 1000 Genomes Consortium et al., 2015; Exome Variant Server). The H2006R variant is a conservative amino acid substitution, which is not likely to impact secondary protein structure as these residues share similar properties. This substitution occurs at a position that is conserved across species. In silico analysis predicts this variant is probably damaging to the protein structure/function. We interpret H2006R as a variant of uncertain significance.